The following is an entry in ClinVar:

NM_182914.3(SYNE2):c.6898A>T (p.Ser2300Cys)

Gene: SYNE2 (spectrin repeat containing nuclear envelope protein 2; plus strand). Cytogenetic location: 14q23.2.
Variant type: single nucleotide variant.
Coding change: c.6898A>T on transcript NM_182914.3 (MANE Select); coding-DNA position 6898, A replaced by T.
Protein change: p.Ser2300Cys; replaces serine 2300 with cysteine.
Molecular consequence: missense variant.
Genome position (GRCh38, 1-based): chr14:64,031,034, A>T. VCF-style: chr14-64031034-A-T. GRCh37 (hg19) VCF-style: chr14-64497752-A-T.
Other names: c.6898A>T, p.Ser2300Cys (NM_015180.6); short protein forms S2300C.
Identifiers: ClinVar variation 4733018 (VCV004733018.1).

ClinVar aggregate classification (germline): Uncertain significance (1 of 4 stars; one submission).

Conditions:
Emery-Dreifuss muscular dystrophy 5, autosomal dominant (EDMD5). Also called: EMERY-DREIFUSS MUSCULAR DYSTROPHY 5. Identifiers: Orphanet 261, MedGen C2751805, MONDO:0013072, OMIM 612999.

Submission:

Labcorp Genetics (formerly Invitae), Labcorp
Classification: Uncertain significance for Emery-Dreifuss muscular dystrophy 5, autosomal dominant. Last evaluated: 2026-01-14. Review status: criteria provided, single submitter. Criteria: Invitae Variant Classification Sherloc (09022015). Collection method: clinical testing. Allele origin: germline.
Comment: This sequence change replaces serine, which is neutral and polar, with cysteine, which is neutral and slightly polar, at codon 2300 of the SYNE2 protein (p.Ser2300Cys). This variant is not present in population databases (gnomAD no frequency). This variant has not been reported in the literature in individuals affected with SYNE2-related conditions. An algorithm developed to predict the effect of missense changes on protein structure and function outputs the following: PolyPhen-2: "Possibly Damaging". The cysteine amino acid residue is found in multiple mammalian species, which suggests that this missense change does not adversely affect protein function. In summary, the available evidence is currently insufficient to determine the role of this variant in disease. Therefore, it has been classified as a Variant of Uncertain Significance.